The following is an entry in ClinVar:

NC_000017.10:g.(?_73951627)_(73952048_?)del

Gene: ACOX1 (acyl-CoA oxidase 1; minus strand). Cytogenetic location: 17q25.1.
Variant type: Deletion.
Identifiers: ClinVar variation 3243040 (VCV003243040.1).

ClinVar aggregate classification (germline): Pathogenic (1 of 4 stars; one submission).

Conditions:
Acyl-CoA oxidase deficiency. Also called: STRAIGHT-CHAIN ACYL-CoA OXIDASE DEFICIENCY; Pseudoneonatal adrenoleukodystrophy; Peroxisomal acyl-CoA oxidase deficiency. Identifiers: Orphanet 2971, MedGen C1849678, MONDO:0009919, OMIM 264470. Disease mechanism: loss of function.

Submission:

Labcorp Genetics (formerly Invitae), Labcorp
Classification: Pathogenic for Acyl-CoA oxidase deficiency. Last evaluated: 2023-04-10. Review status: criteria provided, single submitter. Criteria: Invitae Variant Classification Sherloc (09022015). Collection method: clinical testing. Allele origin: unknown.
Comment: For these reasons, this variant has been classified as Pathogenic. This variant has not been reported in the literature in individuals affected with ACOX1-related conditions. This variant is a gross deletion of the genomic region encompassing exon(s) 5-6 of the ACOX1 gene. This deletion is out-of-frame, and is expected to create a premature termination codon and result in an absent or disrupted protein product. Loss-of-function variants in ACOX1 are known to be pathogenic (PMID: 8040306, 17458872).

Literature cited by the submitters: PubMed 8040306; PubMed 17458872.